The following is an entry in ClinVar:

NM_198576.4(AGRN):c.4298+21_4298+22insGGGGGGAGGGGGGGGCCGGGGCAGCTCAGGTGGGCGGGGAGGGGACGGGG

Gene: AGRN (agrin; plus strand). Cytogenetic location: 1p36.33.
Variant type: Insertion.
Coding change: c.4298+21_4298+22insGGGGGGAGGGGGGGGCCGGGGCAGCTCAGGTGGGCGGGGAGGGGACGGGG on transcript NM_198576.4 (MANE Select); bases 21 to 22 of the intron after coding-DNA position 4298, GGGGGGAGGGGGGGGCCGGGGCAGCTCAGGTGGGCGGGGAGGGGACGGGG inserted.
Molecular consequence: splice donor variant.
Genome position: GRCh38: chr1:1,049,080-1,049,081. GRCh37 (hg19): chr1:984,460-984,461.
Other names: c.4298+21_4298+22insGGGGGGAGGGGGGGGCCGGGGCAGCTCAGGTGGGCGGGGAGGGGACGGGG (NM_001305275.2); c.3983+21_3983+22insGGGGGGAGGGGGGGGCCGGGGCAGCTCAGGTGGGCGGGGAGGGGACGGGG (NM_001364727.2).
Identifiers: ClinVar variation 2068495 (VCV002068495.4), dbSNP rs1645188490, ClinGen allele CA2580060426.

ClinVar aggregate classification (germline): Uncertain significance (1 of 4 stars; one submission).

Conditions:
Congenital myasthenic syndrome 8. Also called: MYASTHENIC SYNDROME, CONGENITAL, DUE TO AGRIN DEFICIENCY; Myasthenic syndrome, congenital, 8, with pre- and postsynaptic defects. Identifiers: Orphanet 590, MedGen C3808739, MONDO:0014052, OMIM 615120.

Submission:

Labcorp Genetics (formerly Invitae), Labcorp
Classification: Uncertain significance for Congenital myasthenic syndrome 8. Last evaluated: 2022-01-01. Review status: criteria provided, single submitter. Criteria: Invitae Variant Classification Sherloc (09022015). Collection method: clinical testing. Allele origin: germline.
Comment: In summary, the available evidence is currently insufficient to determine the role of this variant in disease. Therefore, it has been classified as a Variant of Uncertain Significance. Algorithms developed to predict the effect of sequence changes on RNA splicing suggest that this variant may create or strengthen a splice site. This variant has not been reported in the literature in individuals affected with AGRN-related conditions. This variant is not present in population databases (gnomAD no frequency). This sequence change falls in intron 24 of the AGRN gene. It does not directly change the encoded amino acid sequence of the AGRN protein.